The following is an entry in ClinVar:

NM_001163435.3(TBCK):c.658+9C>G

Gene: TBCK (TBC1 domain containing kinase; minus strand). Cytogenetic location: 4q24.
Variant type: single nucleotide variant.
Coding change: c.658+9C>G on transcript NM_001163435.3 (MANE Select); 9 bases into the intron after coding-DNA position 658, C replaced by G.
Molecular consequence: intron variant.
Genome position (GRCh38, 1-based): chr4:106,250,409, G>C on the plus strand (C>G on the coding strand, the complement: TBCK is on the minus strand). VCF-style: chr4-106250409-G-C. GRCh37 (hg19) VCF-style: chr4-107171566-G-C.
Other names: c.658+9C>G (NM_001163436.4, NM_001163435.2); c.469+9C>G (NM_033115.5); c.541+9C>G (NM_001163437.3); c.142+9C>G (NM_001290768.2).
Identifiers: ClinVar variation 1165201 (VCV001165201.9), dbSNP rs184112037, ClinGen allele CA3035361.

ClinVar aggregate classification (germline): Benign. Review status: criteria provided, single submitter (1 of 4 stars). 2 submissions from 2 submitters: Benign (1). 1 of the submissions does not count toward it. Last evaluated 2026-01-21.

Conditions:
TBCK-related disorder. Also called: TBCK-related condition; TBCK-related disorders.

Allele frequency attached by ClinVar (database versions not stated): 1000 Genomes Project 30x 0.00031.
gnomAD v4.1: 109 of 1,535,928 alleles (0.0071%); highest among the groups gnomAD compares: African/African-American, 0.13%; 1 homozygote.

Submissions (2):

Labcorp Genetics (formerly Invitae), Labcorp
Classification: Benign. Last evaluated: 2026-01-21. Review status: criteria provided, single submitter. Criteria: Invitae Variant Classification Sherloc (09022015). Collection method: clinical testing. Allele origin: germline.

PreventionGenetics, part of Exact Sciences
Classification: Likely benign for TBCK-related condition. Last evaluated: 2020-01-20. Review status: no assertion criteria provided. Collection method: clinical testing. Allele origin: germline. Not counted in ClinVar's aggregate classification.
Comment: This variant is classified as likely benign based on ACMG/AMP sequence variant interpretation guidelines (Richards et al. 2015 PMID: 25741868, with internal and published modifications).